The following is an entry in ClinVar:

NM_022575.4(VPS16):c.1614G>T (p.Leu538=)

Gene: VPS16 (VPS16 core subunit of CORVET and HOPS complexes; plus strand). Cytogenetic location: 20p13.
Variant type: single nucleotide variant.
Coding change: c.1614G>T on transcript NM_022575.4 (MANE Select); coding-DNA position 1614, G replaced by T.
Protein change: p.Leu538=; no amino-acid change (leucine 538 retained).
Molecular consequence: synonymous variant.
Genome position (GRCh38, 1-based): chr20:2,864,181, G>T. VCF-style: chr20-2864181-G-T. GRCh37 (hg19) VCF-style: chr20-2844827-G-T.
Other names: c.1182G>T, p.Leu394= (NM_080413.3).
Identifiers: ClinVar variation 2576548 (VCV002576548.2), dbSNP rs368759422, ClinGen allele CA509553572.

ClinVar aggregate classification (germline): Uncertain significance (1 of 4 stars; one submission).

Conditions:
Dystonia 30. Identifiers: MedGen C5543312, MONDO:0025691, OMIM 619291.

gnomAD v4.1: 10 of 1,614,092 alleles (0.00062%); highest among the groups gnomAD compares: Non-Finnish European, 0.00085%; no homozygotes.

Submission:

Institute of Human Genetics, University of Leipzig Medical Center
Classification: Uncertain significance for Dystonia 30. Last evaluated: 2023-05-22. Review status: criteria provided, single submitter. Criteria: ACMG Guidelines, 2015. Collection method: clinical testing. Allele origin: unknown. Inheritance: Autosomal dominant inheritance. Affected: yes.
Comment: Criteria applied: PM2_SUP